The following is an entry in ClinVar:

ClinVar aggregate classification (germline): Uncertain significance (1 of 4 stars; one submission).

Allele frequency attached by ClinVar (database versions not stated): gnomAD exomes below 0.00001 and 0.00001; TOPMed below 0.00001; ExAC 0.00001; gnomAD 0.00001.
gnomAD v4.1: 16 of 1,613,048 alleles (0.00099%); highest among the groups gnomAD compares: Non-Finnish European, 0.0012%; no homozygotes.

Submission:

Labcorp Genetics (formerly Invitae), Labcorp
Classification: Uncertain significance. Last evaluated: 2024-10-16. Review status: criteria provided, single submitter. Criteria: Invitae Variant Classification Sherloc (09022015). Collection method: clinical testing. Allele origin: germline.
Comment: This sequence change replaces glycine, which is neutral and non-polar, with serine, which is neutral and polar, at codon 277 of the COL9A3 protein (p.Gly277Ser). This variant is present in population databases (rs751668107, gnomAD 0.002%). This variant has not been reported in the literature in individuals affected with COL9A3-related conditions. ClinVar contains an entry for this variant (Variation ID: 1467134). Invitae Evidence Modeling of protein sequence and biophysical properties (such as structural, functional, and spatial information, amino acid conservation, physicochemical variation, residue mobility, and thermodynamic stability) indicates that this missense variant is expected to disrupt COL9A3 protein function with a positive predictive value of 95%. In summary, the available evidence is currently insufficient to determine the role of this variant in disease. Therefore, it has been classified as a Variant of Uncertain Significance.

NM_001853.4(COL9A3):c.829G>A (p.Gly277Ser)

Gene: COL9A3 (collagen type IX alpha 3 chain; plus strand). Cytogenetic location: 20q13.33.
Variant type: single nucleotide variant.
Coding change: c.829G>A on transcript NM_001853.4 (MANE Select); coding-DNA position 829, G replaced by A.
Protein change: p.Gly277Ser; replaces glycine 277 with serine.
Molecular consequence: missense variant.
Genome position (GRCh38, 1-based): chr20:62,827,277, G>A. VCF-style: chr20-62827277-G-A. GRCh37 (hg19) VCF-style: chr20-61458629-G-A.
Other names: short protein forms G277S.
Identifiers: ClinVar variation 1467134 (VCV001467134.6), dbSNP rs751668107, ClinGen allele CA9949537.